The following is an entry in ClinVar:

NM_005529.7(HSPG2):c.12337dup (p.Cys4113fs)

Gene: HSPG2 (heparan sulfate proteoglycan 2; minus strand). Cytogenetic location: 1p36.12.
Variant type: Duplication.
Coding change: c.12337dup on transcript NM_005529.7 (MANE Select); coding-DNA position 12337, one base duplicated (T; older notation c.12337dupT).
Protein change: p.Cys4113fs; shifts the reading frame from cysteine 4113.
Molecular consequence: frameshift variant.
Genome position (GRCh38, 1-based): chr1:21,828,327, A duplicated on the plus strand (T on the coding strand, the reverse complement: HSPG2 is on the minus strand); the first of 2 consecutive A bases (chr1:21,828,327-21,828,328); duplicating either gives the same sequence. VCF-style (leftmost placement, unchanged base first): chr1-21828326-C-CA. GRCh37 (hg19) VCF-style: chr1-22154819-C-CA.
Other names: c.12340dup, p.Cys4114fs (NM_001291860.2); short protein forms C4113fs, C4114fs.
Identifiers: ClinVar variation 2814918 (VCV002814918.3), dbSNP rs2550603288, ClinGen allele CA2739272350.
Genomic context (GRCh38, chr1:21,828,326, plus strand): 5'-TCTCGACACAGGCACTGGAACTCATACTCGCCAGCGGGCATGCACGTGGCACCATGTTGG[C>CA]AAGGCTGGCGCTCACATGGGGAGCTATCATAGCATTGCCCGATGCCCTGGCTGCCTAGGA-3'

ClinVar aggregate classification (germline): Pathogenic (1 of 4 stars; one submission).

Submission:

Labcorp Genetics (formerly Invitae), Labcorp
Classification: Pathogenic. Last evaluated: 2022-11-24. Review status: criteria provided, single submitter. Criteria: Invitae Variant Classification Sherloc (09022015). Collection method: clinical testing. Allele origin: germline.
Comment: This sequence change creates a premature translational stop signal (p.Cys4113Leufs*14) in the HSPG2 gene. It is expected to result in an absent or disrupted protein product. Loss-of-function variants in HSPG2 are known to be pathogenic (PMID: 11279527, 16927315, 20542149, 23836246). This variant is not present in population databases (gnomAD no frequency). This variant has not been reported in the literature in individuals affected with HSPG2-related conditions. For these reasons, this variant has been classified as Pathogenic.

Literature cited by the submitters: PubMed 11279527; PubMed 16927315; PubMed 20542149; PubMed 23836246.